The following is an entry in ClinVar:

ClinVar aggregate classification (germline): Pathogenic (1 of 4 stars; one submission).

Conditions:
Diamond-Blackfan anemia. Also called: Blackfan Diamond syndrome; Aregenerative anemia chronic congenital; Red cell aplasia, pure hereditary; Congenital hypoplastic anemia; Aase syndrome. Identifiers: Orphanet 124, MedGen C1260899, MeSH D029503, MONDO:0015253, HP:0004810.

Submission:

Labcorp Genetics (formerly Invitae), Labcorp
Classification: Pathogenic for Diamond-Blackfan anemia. Last evaluated: 2021-02-18. Review status: criteria provided, single submitter. Criteria: Invitae Variant Classification Sherloc (09022015). Collection method: clinical testing. Allele origin: germline.
Comment: For these reasons, this variant has been classified as Pathogenic. This variant has not been reported in the literature in individuals with RPL26-related conditions. A gross deletion of the genomic region encompassing the full coding sequence of the RPL26 gene has been identified. Loss-of-function variants in RPL26 are known to be pathogenic (PMID: 22431104). The boundaries of this event are unknown as they extend beyond the assayed region for this gene and therefore may encompass additional genes.

Literature cited by the submitters: PubMed 22431104.

NC_000017.10:g.(?_8136214)_(8285628_?)del

Genes: PFAS (phosphoribosylformylglycinamidine synthase; plus strand), ARHGEF15 (Rho guanine nucleotide exchange factor 15; plus strand), CTC1 (CST telomere replication complex component 1; minus strand), KRABD2 (KRAB domain containing 2; minus strand), ODF4 (outer dense fiber of sperm tails 4; plus strand) and 3 more. Cytogenetic location: 17p13.1.
Variant type: Deletion.
Identifiers: ClinVar variation 1460382 (VCV001460382.10).